The following is an entry in ClinVar:

NM_014994.3(MAPKBP1):c.658C>T (p.Leu220=)

Gene: MAPKBP1 (mitogen-activated protein kinase binding protein 1; plus strand). Cytogenetic location: 15q15.1.
Variant type: single nucleotide variant.
Coding change: c.658C>T on transcript NM_014994.3 (MANE Select); coding-DNA position 658, C replaced by T.
Protein change: p.Leu220=; no amino-acid change (leucine 220 retained).
Molecular consequence: synonymous variant. On other transcripts: non-coding transcript variant (2).
Genome position (GRCh38, 1-based): chr15:41,812,940, C>T. VCF-style: chr15-41812940-C-T. GRCh37 (hg19) VCF-style: chr15-42105138-C-T.
Other names: c.658C>T, p.Leu220= (NM_001128608.2, NM_001265611.2).
Identifiers: ClinVar variation 5019297 (VCV005019297.2).
Genomic context (GRCh38, chr15:41,812,940, plus strand): 5'-TGGGGTGGATGGGGGTGTAACAGTGGTGTGCCTCCACAGGTGAATGCCACTGTGCCCTTG[C>T]TGGGCCGCTCAGGGCTGCTGGGAGAGCTACGGAACAACCTATTCACTGATGTGGCCTGTG-3'
Protein context (NP_055809.2, residues 210-230): TSKVNATVPL[Leu220=]GRSGLLGELR

ClinVar aggregate classification (germline): Uncertain significance (1 of 4 stars; one submission).

Conditions:
Nephronophthisis 20 (NPHP20). Identifiers: MedGen C4310640, MONDO:0014997, OMIM 617271.

gnomAD v4.1: 1 of 1,605,906 alleles (0.000062%); highest among the groups gnomAD compares: Admixed American, 0.0017%; no homozygotes.

Submission:

Juno Genomics, Hangzhou Juno Genomics, Inc
Classification: Uncertain significance for Nephronophthisis 20. Review status: criteria provided, single submitter. Criteria: ACMG Guidelines, 2015. Collection method: clinical testing. Allele origin: germline.
Comment: Absent from controls (or at extremely low frequency if recessive) in Genome Aggregation Database.;Multiple lines of computational evidence support a deleterious effect on the gene or gene product.